The following is an entry in ClinVar:

NM_005751.5(AKAP9):c.9037T>C (p.Ser3013Pro)

Gene: AKAP9 (A-kinase anchoring protein 9; plus strand). Cytogenetic location: 7q21.2.
Variant type: single nucleotide variant.
Coding change: c.9037T>C on transcript NM_005751.5 (MANE Select); coding-DNA position 9037, T replaced by C.
Protein change: p.Ser3013Pro; replaces serine 3013 with proline.
Molecular consequence: missense variant.
Genome position (GRCh38, 1-based): chr7:92,086,240, T>C. VCF-style: chr7-92086240-T-C. GRCh37 (hg19) VCF-style: chr7-91715554-T-C.
Other names: c.3682T>C, p.Ser1228Pro (NM_001379277.1); c.9013T>C, p.Ser3005Pro (NM_147185.3); short protein forms S3013P, S1228P, S3005P.
Identifiers: ClinVar variation 3516645 (VCV003516645.1).
Genomic context (GRCh38, chr7:92,086,240, plus strand): 5'-AAAACATGCTTATTTGAAAACTAACTATCGTTATATGTACTTTGCTAGGTTTATGATAGT[T>C]CTCAATCTCATGAGAGCTTCTCAGACTGGCGAGGTGAACTACTGCTTGCCCTTCAACAAG-3'
Protein context (NP_005742.4, residues 3003-3023): LQREAEVYDS[Ser3013Pro]QSHESFSDWR

ClinVar aggregate classification (germline): Uncertain significance (1 of 4 stars; one submission).

Conditions:
Cardiovascular phenotype. Identifiers: MedGen CN230736.

gnomAD v4.1: 1 of 1,614,064 alleles (0.000062%); highest among the groups gnomAD compares: Non-Finnish European, 0.000085%; no homozygotes.

Submission:

Ambry Genetics
Classification: Uncertain significance for Cardiovascular phenotype. Last evaluated: 2024-09-24. Review status: criteria provided, single submitter. Criteria: Ambry Variant Classification Scheme 2023. Collection method: clinical testing. Allele origin: germline.
Comment: The p.S3013P variant (also known as c.9037T>C), located in coding exon 37 of the AKAP9 gene, results from a T to C substitution at nucleotide position 9037. The serine at codon 3013 is replaced by proline, an amino acid with similar properties. This amino acid position is conserved. In addition, this alteration is predicted to be tolerated by in silico analysis. Based on the available evidence, the clinical significance of this variant remains unclear.